The following is an entry in ClinVar:

ClinVar aggregate classification (germline): Uncertain significance (1 of 4 stars; one submission).

gnomAD v4.1: 2 of 1,607,524 alleles (0.00012%); highest among the groups gnomAD compares: African/African-American, 0.0027%; no homozygotes.

Submission:

Labcorp Genetics (formerly Invitae), Labcorp
Classification: Uncertain significance. Last evaluated: 2022-08-12. Review status: criteria provided, single submitter. Criteria: Invitae Variant Classification Sherloc (09022015). Collection method: clinical testing. Allele origin: germline.
Comment: In summary, the available evidence is currently insufficient to determine the role of this variant in disease. Therefore, it has been classified as a Variant of Uncertain Significance. Algorithms developed to predict the effect of missense changes on protein structure and function are either unavailable or do not agree on the potential impact of this missense change (SIFT: "Deleterious"; PolyPhen-2: "Benign"; Align-GVGD: "Class C0"). This sequence change replaces threonine, which is neutral and polar, with lysine, which is basic and polar, at codon 232 of the ZNF341 protein (p.Thr232Lys). This variant has not been reported in the literature in individuals affected with ZNF341-related conditions. The frequency data for this variant in the population databases is considered unreliable, as metrics indicate poor data quality at this position in the gnomAD database.

NM_001282933.2(ZNF341):c.695C>A (p.Thr232Lys)

Gene: ZNF341 (zinc finger protein 341; plus strand). Cytogenetic location: 20q11.22.
Variant type: single nucleotide variant.
Coding change: c.695C>A on transcript NM_001282933.2 (MANE Select); coding-DNA position 695, C replaced by A.
Protein change: p.Thr232Lys; replaces threonine 232 with lysine.
Molecular consequence: missense variant. On other transcripts: non-coding transcript variant (1).
Genome position (GRCh38, 1-based): chr20:33,753,377, C>A. VCF-style: chr20-33753377-C-A. GRCh37 (hg19) VCF-style: chr20-32341183-C-A.
Other names: c.425C>A, p.Thr142Lys (NM_001282935.2); c.695C>A, p.Thr232Lys (NM_032819.5); short protein forms T142K, T232K.
Identifiers: ClinVar variation 1716173 (VCV001716173.4), dbSNP rs753597161, ClinGen allele CA9819239.